The following is an entry in ClinVar:

ClinVar aggregate classification (germline): Uncertain significance (1 of 4 stars; one submission).

Conditions:
Wilson disease (WND). Also called: Wilson's disease. Identifiers: Orphanet 905, MedGen C0019202, MONDO:0010200, OMIM 277900. Disease mechanism: loss of function.

Submission:

Color Diagnostics, LLC DBA Color Health
Classification: Uncertain significance for Wilson disease. Last evaluated: 2025-06-23. Review status: criteria provided, single submitter. Criteria: ACMG Guidelines, 2015. Collection method: clinical testing. Allele origin: germline.
Comment: This missense variant replaces alanine with proline at codon 1276 of the ATP7B protein. Computational prediction suggests that this variant may have deleterious impact on protein structure and function. To our knowledge, functional studies have not been reported for this variant. This variant has not been reported in individuals affected with ATP7B-related disorders in the literature. This variant has not been identified in the general population by the Genome Aggregation Database (gnomAD). The available evidence is insufficient to determine the role of this variant in disease conclusively. Therefore, this variant is classified as a Variant of Uncertain Significance.

NM_000053.4(ATP7B):c.3826G>C (p.Ala1276Pro)

Gene: ATP7B (ATPase copper transporting beta; minus strand). Cytogenetic location: 13q14.3.
Variant type: single nucleotide variant.
Coding change: c.3826G>C on transcript NM_000053.4 (MANE Select); coding-DNA position 3826, G replaced by C.
Protein change: p.Ala1276Pro; replaces alanine 1276 with proline.
Molecular consequence: missense variant. On other transcripts: intron variant (1).
Genome position (GRCh38, 1-based): chr13:51,937,553, C>G on the plus strand (G>C on the coding strand, the complement: ATP7B is on the minus strand). VCF-style: chr13-51937553-C-G. GRCh37 (hg19) VCF-style: chr13-52511689-C-G.
Other names: c.3205G>C, p.Ala1069Pro (NM_001005918.3); c.3493G>C, p.Ala1165Pro (NM_001243182.2); c.3592G>C, p.Ala1198Pro (NM_001330578.2, NM_001406527.1, NM_001406528.1); c.3574G>C, p.Ala1192Pro (NM_001330579.2, NM_001406531.1, NM_001406532.1); c.3826G>C, p.Ala1276Pro (NM_001406511.1, NM_001406512.1); c.3820G>C, p.Ala1274Pro (NM_001406513.1); c.3793G>C, p.Ala1265Pro (NM_001406514.1); c.3772G>C, p.Ala1258Pro (NM_001406515.1, NM_001406516.1); and 21 more; short protein forms A1049P, A1060P, A1069P, A1082P, A1112P, A1114P, A1127P, A1133P.
Identifiers: ClinVar variation 4757238 (VCV004757238.1).